The following is an entry in ClinVar:

NM_001018116.2(CAVIN4):c.971C>T (p.Pro324Leu)

Gene: CAVIN4 (caveolae associated protein 4; plus strand). Cytogenetic location: 9q31.1.
Variant type: single nucleotide variant.
Coding change: c.971C>T on transcript NM_001018116.2 (MANE Select); coding-DNA position 971, C replaced by T.
Protein change: p.Pro324Leu; replaces proline 324 with leucine.
Molecular consequence: missense variant.
Genome position (GRCh38, 1-based): chr9:100,586,327, C>T. VCF-style: chr9-100586327-C-T. GRCh37 (hg19) VCF-style: chr9-103348609-C-T.
Other names: c.971C>T, p.Pro324Leu (LRG_760t1); short protein forms P324L.
Identifiers: ClinVar variation 516885 (VCV000516885.4), dbSNP rs147742000, ClinGen allele CA5160205.

ClinVar aggregate classification (germline): Likely benign (1 of 4 stars; one submission).

Allele frequency attached by ClinVar (database versions not stated): 1000 Genomes Project 30x 0.00031; 1000 Genomes Project 0.00040; ESP Exome Variant Server 0.00046; TOPMed 0.00048.
gnomAD v4.1: 185 of 1,613,866 alleles (0.011%); highest among the groups gnomAD compares: African/African-American, 0.15%; 1 homozygote.

Submission:

GeneDx
Classification: Likely benign. Last evaluated: 2021-05-21. Review status: criteria provided, single submitter. Criteria: GeneDx Variant Classification Process June 2021. Collection method: clinical testing. Allele origin: germline. Affected: yes.
Comment: This variant is associated with the following publications: (PMID: 23299917, 21642240)